The following is an entry in ClinVar:

ClinVar aggregate classification (germline): Pathogenic. Review status: criteria provided, single submitter (1 of 4 stars). 2 submissions from 2 submitters: Pathogenic (1). 1 of the submissions does not count toward it. Last evaluated 2026-01-16.

Conditions:
Myofibrillar myopathy 5. Also called: Filaminopathy (type); FILAMINOPATHY, AUTOSOMAL DOMINANT. Identifiers: Orphanet 171445, MedGen C1836050, MONDO:0012289, OMIM 609524.
Distal myopathy with posterior leg and anterior hand involvement. Also called: WILLIAMS DISTAL MYOPATHY. Identifiers: Orphanet 63273, MedGen C3279722, MONDO:0013550, OMIM 614065.
Hypertrophic cardiomyopathy 26. Also called: Cardiomyopathy, familial hypertrophic, 26. Identifiers: Orphanet 75249, MedGen C4310749, MONDO:0014883, OMIM 617047.

Submissions (2):

Labcorp Genetics (formerly Invitae), Labcorp
Classification: Pathogenic for Distal myopathy with posterior leg and anterior hand involvement; Myofibrillar myopathy 5; Hypertrophic cardiomyopathy 26. Last evaluated: 2026-01-16. Review status: criteria provided, single submitter. Criteria: Invitae Variant Classification Sherloc (09022015). Collection method: clinical testing. Allele origin: germline.
Comment: This sequence change creates a premature translational stop signal (p.Val268Phefs*6) in the FLNC gene. It is expected to result in an absent or disrupted protein product. Loss-of-function variants in FLNC are known to be pathogenic (PMID: 27908349). This variant is not present in population databases (gnomAD no frequency). This variant has not been reported in the literature in individuals affected with FLNC-related conditions. ClinVar contains an entry for this variant (Variation ID: 1319904). For these reasons, this variant has been classified as Pathogenic.

Clinical Genetics Laboratory, University Hospital Schleswig-Holstein
Classification: Pathogenic for Hypertrophic cardiomyopathy 26. Last evaluated: 2021-09-15. Review status: no assertion criteria provided. Collection method: clinical testing. Allele origin: germline. Affected: yes. Not counted in ClinVar's aggregate classification.

Literature cited by the submitters: PubMed 27908349 (cited by Labcorp Genetics (formerly Invitae), Labcorp).

NM_001458.5(FLNC):c.801del (p.Val268fs)

Gene: FLNC (filamin C; plus strand). Cytogenetic location: 7q32.1.
Variant type: Deletion.
Coding change: c.801del on transcript NM_001458.5 (MANE Select); coding-DNA position 801, one base deleted (T; older notation c.801delT).
Protein change: p.Val268fs; shifts the reading frame from valine 268.
Molecular consequence: frameshift variant.
Genome position (GRCh38, 1-based): chr7:128,837,499, T deleted. VCF-style (leftmost placement, unchanged base first): chr7-128837498-CT-C. GRCh37 (hg19) VCF-style: chr7-128477552-CT-C.
Other names: c.801delT (NM_001458.5); c.801del, p.Val268fs (NM_001127487.2); short protein forms V268fs.
Identifiers: ClinVar variation 1319904 (VCV001319904.8), dbSNP rs2128934193, ClinGen allele CA2573052811.